The following is an entry in ClinVar:

ClinVar aggregate classification (germline): Likely benign (1 of 4 stars; one submission).

Allele frequency attached by ClinVar (database versions not stated): ESP Exome Variant Server 0.00046.
gnomAD v4.1: 597 of 1,614,140 alleles (0.037%); highest among the groups gnomAD compares: African/African-American, 0.092%; 2 homozygotes.

Submission:

CeGaT Center for Human Genetics Tuebingen
Classification: Likely benign. Last evaluated: 2025-01-01. Review status: criteria provided, single submitter. Criteria: CeGaT Center For Human Genetics Tuebingen Variant Classification Criteria Version 2. Collection method: clinical testing. Allele origin: germline. Affected: yes. Observed: 2 variant alleles.
Comment: CLDN11: BP4, BP7

NM_005602.6(CLDN11):c.336C>T (p.Pro112=)

Gene: CLDN11 (claudin 11; plus strand). Cytogenetic location: 3q26.2.
Variant type: single nucleotide variant.
Coding change: c.336C>T on transcript NM_005602.6 (MANE Select); coding-DNA position 336, C replaced by T.
Protein change: p.Pro112=; no amino-acid change (proline 112 retained).
Molecular consequence: synonymous variant.
Genome position (GRCh38, 1-based): chr3:170,423,272, C>T. VCF-style: chr3-170423272-C-T. GRCh37 (hg19) VCF-style: chr3-170141060-C-T.
Other names: c.84C>T, p.Pro28= (NM_001185056.2).
Identifiers: ClinVar variation 1675937 (VCV001675937.33), dbSNP rs150789369, ClinGen allele CA2701358.